The following is an entry in ClinVar:

NM_002834.5(PTPN11):c.661A>G (p.Ile221Val)

Gene: PTPN11 (protein tyrosine phosphatase non-receptor type 11; plus strand). Cytogenetic location: 12q24.13.
Variant type: single nucleotide variant.
Coding change: c.661A>G on transcript NM_002834.5 (MANE Select); coding-DNA position 661, A replaced by G.
Protein change: p.Ile221Val; replaces isoleucine 221 with valine.
Molecular consequence: missense variant.
Genome position (GRCh38, 1-based): chr12:112,455,968, A>G. VCF-style: chr12-112455968-A-G. GRCh37 (hg19) VCF-style: chr12-112893772-A-G.
Other names: p.I221V:ATA>GTA; c.661A>G, p.Ile221Val (NM_001330437.2, NM_080601.3); c.658A>G, p.Ile220Val (NM_001374625.1); short protein forms I221V, I220V.
Identifiers: ClinVar variation 181498 (VCV000181498.29), dbSNP rs397516806, ClinGen allele CA297082.
Genomic context (GRCh38, chr12:112,455,968, plus strand): 5'-TAATATTTTCTTTATTTTACATCAACTGCTGTACTCGATCAGCCCCTTAACACGACTCGT[A>G]TAAATGCTGCTGAAATAGAAAGCAGAGTTCGAGAACTAAGCAAATTAGCTGAGACCACAG-3'
Protein context (NP_002825.3, residues 211-231): QLKQPLNTTR[Ile221Val]NAAEIESRVR

ClinVar aggregate classification (germline): Conflicting classifications of pathogenicity. Review status: criteria provided, conflicting classifications (1 of 4 stars). 5 submissions from 5 submitters: Pathogenic (1); Likely pathogenic (1); Uncertain significance (3). Last evaluated 2025-06-08.

Conditions:
LEOPARD syndrome 1 (LPRD1). Also called: LENTIGINOSIS, CARDIOMYOPATHIC; MULTIPLE LENTIGINES SYNDROME; PTPN11-Related LEOPARD Syndrome. Identifiers: Orphanet 500, MedGen C4551484, MONDO:0100082, OMIM 151100.
Noonan syndrome 1 (NS1). Also called: FEMALE PSEUDO-TURNER SYNDROME; PTPN11-Related Noonan Syndrome; TURNER PHENOTYPE WITH NORMAL KARYOTYPE. Identifiers: Orphanet 648, MedGen C4551602, MONDO:0008104, OMIM 163950. Disease mechanism: gain of function.
Metachondromatosis (METCDS). Identifiers: Orphanet 2499, MedGen C0410530, MONDO:0007979, OMIM 156250.
Juvenile myelomonocytic leukemia (JMML). Also called: LEUKEMIA, JUVENILE MYELOMONOCYTIC, SOMATIC. Identifiers: Orphanet 86834, MedGen C0349639, MONDO:0011908, OMIM 607785, HP:0012209.
RASopathy. Also called: rasopathies; Noonan spectrum disorder. Identifiers: Orphanet 536391, MedGen C5555857, MONDO:0021060.

Allele frequency attached by ClinVar (database versions not stated): gnomAD exomes below 0.00001 and 0.00001; TOPMed 0.00001.
gnomAD v4.1: 9 of 1,608,476 alleles (0.00056%); highest among the groups gnomAD compares: Admixed American, 0.0017%; no homozygotes.

Submissions (5):

Labcorp Genetics (formerly Invitae), Labcorp
Classification: Uncertain significance for RASopathy. Last evaluated: 2025-06-08. Review status: criteria provided, single submitter. Criteria: Invitae Variant Classification Sherloc (09022015). Collection method: clinical testing. Allele origin: germline.
Comment: This sequence change replaces isoleucine, which is neutral and non-polar, with valine, which is neutral and non-polar, at codon 221 of the PTPN11 protein (p.Ile221Val). This variant is present in population databases (rs397516806, gnomAD 0.003%). This missense change has been observed in individual(s) with clinical features of Noonan syndrome (PMID: 24451042, 34308104). ClinVar contains an entry for this variant (Variation ID: 181498). Invitae Evidence Modeling of protein sequence and biophysical properties (such as structural, functional, and spatial information, amino acid conservation, physicochemical variation, residue mobility, and thermodynamic stability) has been performed for this missense variant. However, the output from this modeling did not meet the statistical confidence thresholds required to predict the impact of this variant on PTPN11 protein function. In summary, the available evidence is currently insufficient to determine the role of this variant in disease. Therefore, it has been classified as a Variant of Uncertain Significance.

Fulgent Genetics
Classification: Uncertain significance for LEOPARD syndrome 1; Metachondromatosis; Noonan syndrome 1; Juvenile myelomonocytic leukemia. Last evaluated: 2023-12-30. Review status: criteria provided, single submitter. Criteria: ACMG Guidelines, 2015. Collection method: clinical testing. Allele origin: germline.

CeGaT Center for Human Genetics Tuebingen
Classification: Uncertain significance. Last evaluated: 2023-03-01. Review status: criteria provided, single submitter. Criteria: CeGaT Center For Human Genetics Tuebingen Variant Classification Criteria Version 2. Collection method: clinical testing. Allele origin: germline. Affected: yes. Observed: 1 variant allele.
Comment: PTPN11: PM2, PP2, PP3, PS4:Supporting, BS4

Institute of Immunology and Genetics Kaiserslautern
Classification: Likely pathogenic for Noonan syndrome 1. Last evaluated: 2022-12-02. Review status: criteria provided, single submitter. Criteria: ACMG Guidelines, 2015. Collection method: clinical testing. Allele origin: germline. Affected: yes.
Comment: ACMG Criteria: PM2, PM5_P, PP3, PP2, PP5; Variant was found in heterozygous state.

GeneDx
Classification: Pathogenic. Last evaluated: 2014-07-08. Review status: criteria provided, single submitter. Criteria: GeneDx Variant Classification (06012015). Collection method: clinical testing. Allele origin: germline. Affected: yes.
Comment: The I221V missense mutation in the PTPN11 gene has been reported previously in association with Noonan syndrome (Lepri et al., 2014). The I221V mutation was not observed in approximately 6,500 individuals of European and African American ancestry in the NHLBI Exome Sequencing Project, indicating it is not a common benign variant in these populations. The variant is found in NOONAN panel(s).

Literature cited by the submitters: PubMed 24451042 (cited by Labcorp Genetics (formerly Invitae), Labcorp); PubMed 34308104 (cited by Labcorp Genetics (formerly Invitae), Labcorp).